The following is an entry in ClinVar:

NM_024426.6(WT1):c.1447+1G>A

Gene: WT1 (WT1 transcription factor; minus strand). Cytogenetic location: 11p13.
Variant type: single nucleotide variant.
Coding change: c.1447+1G>A on transcript NM_024426.6 (MANE Select); the canonical splice donor site of the intron after coding-DNA position 1447, G replaced by A.
Molecular consequence: splice donor variant. On other transcripts: intron variant (7).
Genome position (GRCh38, 1-based): chr11:32,391,971, C>T on the plus strand (G>A on the coding strand, the complement: WT1 is on the minus strand). VCF-style: chr11-32391971-C-T. GRCh37 (hg19) VCF-style: chr11-32413517-C-T.
Other names: c.1432+1G>A (NM_024426.4); c.1273+1G>A (NM_001407050.1); c.1315+10G>A (NM_001407047.1); c.1306+1G>A (NM_001407048.1); c.1303+695G>A (NM_001407049.1); c.1387+10G>A (NM_000378.6); c.1396+1G>A (NM_001407045.1); c.1432+10G>A (NM_001407044.1); and 6 more.
Identifiers: ClinVar variation 2500727 (VCV002500727.2), dbSNP rs2132913527, ClinGen allele CA379958646.
Genomic context (GRCh38, chr11:32,391,971, plus strand): 5'-TTTCATTCCACAATAGTTTAAAAAAATAATGAAAAATAAATGTGAAGAAAAGTTTACGCA[C>T]TTGTTTTACCTGTATGAGTCCTGGTGTGGGTCTTCAGGTGGTCGGACCGGGAGAACTTTC-3'

ClinVar aggregate classification (germline): Pathogenic (1 of 4 stars; one submission).

Conditions:
Frasier syndrome. Identifiers: Orphanet 347, MedGen C0950122, MeSH D052159, MONDO:0007635, OMIM 136680.

Submission:

Victorian Clinical Genetics Services, Murdoch Childrens Research Institute
Classification: Pathogenic for Frasier syndrome. Last evaluated: 2022-02-02. Review status: criteria provided, single submitter. Criteria: ACMG Guidelines, 2015. Collection method: clinical testing. Allele origin: germline. Inheritance: Autosomal dominant inheritance. Affected: yes.
Comment: Based on the classification scheme VCGS_Germline_v1.3.4, this variant is classified as Pathogenic. Following criteria are met: 0103 - Dominant negative and loss of function are known mechanisms of disease in this gene. (I) 0107 - This gene is associated with autosomal dominant disease. (I) 0210 - Splice site variant proven to affect splicing of the transcript with a known effect on protein sequence. Splice variants at the intron 9 donor site are known to result in the deletion of three amino acids (the KTS domain) due to the use of an alternative splice site for a different isoform. The usual ratio of WT1 isoforms is 2(+KTS):1(-KTS), however this balance is impaired by intron 9 splice variants (PMID: 23295293, PMID: 25623218). (SP) Note: this splice junction is often annotated from c.1447 using an updated transcript version (NCBI). 0251 - This variant is heterozygous. (I) 0301 - Variant is absent from gnomAD (both v2 and v3). (SP) 0701 - Other splice variants comparable to the one identified in this case have very strong previous evidence for pathogenicity. The intron 9 donor site is considered a hotspot, with at least six other variants previously reported as pathogenic in individuals with Frasier syndrome (MIM#136680) (ClinVar, DECIPHER, HGMD, LOVD, PMID: 25623218). (SP) 0803 - This variant has limited previous evidence of pathogenicity in unrelated individuals. The variant has previously been reported as pathogenic in two 46,XY phenotypic females with Frasier syndrome (MIM#136680) (PMID: 16717397, PMID: 23295293). (SP) 1102 - Strong phenotype match for this individual. (SP) Legend: (SP) - Supporting pathogenic, (I) - Information, (SB) - Supporting benign

Literature cited by the submitters: PubMed 16717397; PubMed 23295293; PubMed 25623218.